The following is an entry in ClinVar:

NM_006563.5(KLF1):c.973G>A (p.Glu325Lys)

Genes: KLF1 (KLF transcription factor 1; minus strand), LOC117125591 (CRISPRi-FlowFISH-validated PRDX2 and RAD23A regulatory element; plus strand). Cytogenetic location: 19p13.13.
Variant type: single nucleotide variant.
Coding change: c.973G>A on transcript NM_006563.5 (MANE Select); coding-DNA position 973, G replaced by A.
Protein change: p.Glu325Lys; replaces glutamic acid 325 with lysine.
Molecular consequence: missense variant.
Genome position (GRCh38, 1-based): chr19:12,885,001, C>T on the plus strand (G>A on the coding strand, the complement: KLF1 is on the minus strand). VCF-style: chr19-12885001-C-T. GRCh37 (hg19) VCF-style: chr19-12995815-C-T.
Other names: short protein forms E325K.
Identifiers: ClinVar variation 18447 (VCV000018447.24), dbSNP rs267607201, ClinGen allele CA120054.

ClinVar aggregate classification (germline): Pathogenic. Review status: criteria provided, multiple submitters, no conflicts (2 of 4 stars). 10 submissions from 10 submitters: Pathogenic (9). 1 of the submissions does not count toward it. Last evaluated 2025-07-11.

Conditions:
KLF1-related disorder. Also called: KLF1-Related Disorders; KLF1-related condition.
Anemia, congenital dyserythropoietic, type IVa. Also called: Congenital dyserythropoietic anemia, type IV; Congenital dyserythropoietic anemia type 4; CDA, TYPE IVa. Identifiers: Orphanet 293825, MedGen C3150926, MONDO:0013355, OMIM 613673.
BLOOD GROUP--LUTHERAN INHIBITOR (INLU). Also called: DOMINANT LU (a-b-) PHENOTYPE. Identifiers: MedGen C1292231, OMIM 111150.

Submissions (10):

Women's Health and Genetics/Laboratory Corporation of America, LabCorp
Classification: Pathogenic for KLF1-Related Disorders. Last evaluated: 2025-07-11. Review status: criteria provided, single submitter. Criteria: LabCorp Variant Classification Summary - May 2015. Collection method: clinical testing. Allele origin: germline.
Comment: Variant summary: KLF1 c.973G>A (p.Glu325Lys) results in a conservative amino acid change in the encoded protein sequence. Algorithms developed to predict the effect of missense changes on protein structure and function are either unavailable or do not agree on the potential impact of this missense change. The variant was absent in 245838 control chromosomes. c.973G>A has been observed in the heterozygous state multiple individuals affected with congenital dyserythropoietic anaemia and occurred de novo in at least wo affected individuals (e.g. Ravindranath_2018, Ortolano_2018, Russo_2018, Muramatsu_2017, Jaffray_2013, Arnaud_2010). These data indicate that the variant is very likely to be associated with disease. At least one publication reports experimental evidencethat this variant reults in reduced transcriptional activity and was able to inhibit the activation of CD44 promoter induced by KLF1wild-type, suggesting a dominant-negative effect. The following publications have been ascertained in the context of this evaluation (PMID: 21055716, 23522491, 28102861, 29200155, 29300242, 29396846). ClinVar contains an entry for this variant (Variation ID: 18447). While this variant has been reported in the literature, the clinical significance of the variant for autosomal recessive congenital dyserythropoietic anaemia could not be established. Based on the evidence outlined above, the variant was classified as pathogenic for autosomal dominant congenital dyserythropoietic anaemia.

GeneDx
Classification: Pathogenic. Last evaluated: 2025-04-28. Review status: criteria provided, single submitter. Criteria: GeneDx Variant Classification Process June 2021. Collection method: clinical testing. Allele origin: germline. Affected: yes.
Comment: Published functional studies have demonstrated a dominant negative effect when co-expressed in-vitro with wild-type allele, as well as inducing cell cycle arrest in cells from a patient diagnosed with congenital dyserythropoietic anemia (PMID: 21055716, 30876823); Not observed at significant frequency in large population cohorts (gnomAD); In silico analysis supports that this missense variant has a deleterious effect on protein structure/function; This variant is associated with the following publications: (PMID: 27013732, 31818881, 30872368, 23522491, 21778342, 29396846, 29200155, 29300242, 29786897, 30876823, 31126231, 23125034, 1659863, 28102861, 21055716, 33686258, 32221653, 36798023, 37084386, 32467144, 37113767, 38523248, 28265383, 29047116, 29901818)

Center for Genomic Medicine, Rigshospitalet, Copenhagen University Hospital
Classification: Pathogenic. Last evaluated: 2025-03-04. Review status: criteria provided, single submitter. Criteria: ACMG Guidelines, 2015. Collection method: clinical testing. Allele origin: germline.

Victorian Clinical Genetics Services, Murdoch Childrens Research Institute
Classification: Pathogenic for Anemia, congenital dyserythropoietic, type IVa. Last evaluated: 2024-12-06. Review status: criteria provided, single submitter. Criteria: ACMG Guidelines, 2015. Collection method: clinical testing. Allele origin: germline. Affected: yes.
Comment: This variant is classified as Pathogenic. Evidence in support of pathogenic classification: Variant is absent from gnomAD (v2, v3 and v4); This variant has strong previous evidence of pathogenicity in unrelated individuals. This variant has been classified as pathogenic by multiple clinical laboratories in ClinVar. It has also been reported in the literature as a recurring de novo variant in multiple individuals with autosomal dominant congenital dyserythropoietic anaemia, type IVa (PMID: 36798023); Additional information: Variant is predicted to result in a missense amino acid change from glutamic acid to lysine; This variant is heterozygous; This gene is associated with both recessive and dominant disease. Congenital dyserythropoietic anemia type IVa (MIM#613673) is inherited in an autosomal dominant manner and is associated with a single recurring missense variant p.(Glu325Lys) (PMID: 36798023). Bi-allelic variants are associated with congenital dyserythropoietic anemia type IVb (MIM#620969); Variant is located in the annotated zinc finger, C2H2 type domain (DECIPHER); Dominant negative and loss of function are known mechanisms of disease in this gene. Dominant negative has been demonstrated as the mechanism for autosomal dominant congenital dyserythropoietic anaemia, type IVa (PMID: 21055716). Bi-allelic loss of function variants are associated with congenital dyserythropoietic anaemia, type IVb (PMID: 25976964).

Labcorp Genetics (formerly Invitae), Labcorp
Classification: Pathogenic. Last evaluated: 2021-08-10. Review status: criteria provided, single submitter. Criteria: Invitae Variant Classification Sherloc (09022015). Collection method: clinical testing. Allele origin: germline.
Comment: This variant is not present in population databases (ExAC no frequency). For these reasons, this variant has been classified as Pathogenic. Experimental studies have shown that this missense change affects KLF1 function (PMID: 21055716, 21778342). Algorithms developed to predict the effect of missense changes on protein structure and function are either unavailable or do not agree on the potential impact of this missense change (SIFT: "Not Available"; PolyPhen-2: "Probably Damaging"; Align-GVGD: "Not Available"). ClinVar contains an entry for this variant (Variation ID: 18447). This missense change has been observed in individuals with clinical features of congenital dyserythropoietic anemia (PMID: 21055716, 23522491, 28102861, 29200155, 29300242, 29396846). This sequence change replaces glutamic acid with lysine at codon 325 of the KLF1 protein (p.Glu325Lys). The glutamic acid residue is highly conserved and there is a small physicochemical difference between glutamic acid and lysine.

Mayo Clinic Laboratories, Mayo Clinic
Classification: Pathogenic. Last evaluated: 2020-06-22. Review status: criteria provided, single submitter. Criteria: ACMG Guidelines, 2015. Collection method: clinical testing. Allele origin: germline. Observed: 1 variant allele.
Comment: PS3, PS2, PS4_moderate, PM1, PM2, PP3

Revvity Omics, Revvity
Classification: Pathogenic. Last evaluated: 2019-11-20. Review status: criteria provided, single submitter. Criteria: ACMG Guidelines, 2015. Collection method: clinical testing. Allele origin: germline.

Mendelics
Classification: Pathogenic for BLOOD GROUP--LUTHERAN INHIBITOR. Last evaluated: 2019-05-28. Review status: criteria provided, single submitter. Criteria: Mendelics Assertion Criteria 2017. Collection method: clinical testing. Allele origin: unknown.

Neuberg Centre For Genomic Medicine, NCGM
Classification: Pathogenic for Anemia, congenital dyserythropoietic, type IVa. Review status: criteria provided, single submitter. Criteria: ACMG Guidelines, 2015. Collection method: clinical testing. Allele origin: germline. Affected: yes.
Comment: The missense variant p.E325K in KLF1 (NM_006563.5) has been previously reported in dominant state with congenital dyseryhtropoietic anemia (Arnaud L et al). Functional studies reveal a damaging effect. The variant has been submitted to ClinVar as Pathogenic. The p.E325K variant is novel (not in any individuals) in gnomAD Exomes and is novel (not in any individuals) in 1000 Genomes. The p.E325K missense variant is predicted to be damaging by both SIFT and PolyPhen2. The glutamic acid residue at codon 325 of KLF1 is conserved in all mammalian species. The nucleotide c.973 in KLF1 is predicted conserved by GERP++ and PhyloP across 100 vertebrates. For these reasons, this variant has been classified as Pathogenic.

OMIM
Classification: Pathogenic for ANEMIA, CONGENITAL DYSERYTHROPOIETIC, TYPE IVa. Last evaluated: 2013-01-01. Review status: no assertion criteria provided. Collection method: literature only. Allele origin: germline. Not counted in ClinVar's aggregate classification.

Literature cited by the submitters: PubMed 28102861 (cited by Women's Health and Genetics/Laboratory Corporation of America, LabCorp and Labcorp Genetics (formerly Invitae), Labcorp); PubMed 29396846 (cited by 3 submitters); PubMed 21055716 (cited by 6 submitters); PubMed 23522491 (cited by 3 submitters); PubMed 29200155 (cited by Women's Health and Genetics/Laboratory Corporation of America, LabCorp and Labcorp Genetics (formerly Invitae), Labcorp); PubMed 29300242 (cited by Women's Health and Genetics/Laboratory Corporation of America, LabCorp and Labcorp Genetics (formerly Invitae), Labcorp); PubMed 36798023 (cited by Victorian Clinical Genetics Services, Murdoch Childrens Research Institute); PubMed 25976964 (cited by Victorian Clinical Genetics Services, Murdoch Childrens Research Institute); PubMed 21778342 (cited by Labcorp Genetics (formerly Invitae), Labcorp and Mayo Clinic Laboratories, Mayo Clinic); PubMed 27013732 (cited by Mayo Clinic Laboratories, Mayo Clinic); PubMed 1659863 (cited by OMIM); PubMed 23125034 (cited by OMIM); PubMed 31818881 (cited by OMIM).